The following is an entry in ClinVar:

NM_000095.3(COMP):c.79+6C>G

Gene: COMP (cartilage oligomeric matrix protein; minus strand). Cytogenetic location: 19p13.11.
Variant type: single nucleotide variant.
Coding change: c.79+6C>G on transcript NM_000095.3 (MANE Select); 6 bases into the intron after coding-DNA position 79, C replaced by G.
Molecular consequence: intron variant.
Genome position (GRCh38, 1-based): chr19:18,791,185, G>C on the plus strand (C>G on the coding strand, the complement: COMP is on the minus strand). VCF-style: chr19-18791185-G-C. GRCh37 (hg19) VCF-style: chr19-18901994-G-C.
Identifiers: ClinVar variation 3701360 (VCV003701360.2).

ClinVar aggregate classification (germline): Uncertain significance (1 of 4 stars; one submission).

gnomAD v4.1: 1 of 1,578,824 alleles (0.000063%); highest among the groups gnomAD compares: Non-Finnish European, 0.000086%; no homozygotes.

Submission:

Labcorp Genetics (formerly Invitae), Labcorp
Classification: Uncertain significance. Last evaluated: 2024-11-19. Review status: criteria provided, single submitter. Criteria: Invitae Variant Classification Sherloc (09022015). Collection method: clinical testing. Allele origin: germline.
Comment: This sequence change falls in intron 1 of the COMP gene. It does not directly change the encoded amino acid sequence of the COMP protein. It affects a nucleotide within the consensus splice site. This variant is not present in population databases (gnomAD no frequency). This variant has not been reported in the literature in individuals affected with COMP-related conditions. Variants that disrupt the consensus splice site are a relatively common cause of aberrant splicing (PMID: 17576681, 9536098). Algorithms developed to predict the effect of sequence changes on RNA splicing suggest that this variant is not likely to affect RNA splicing. In summary, the available evidence is currently insufficient to determine the role of this variant in disease. Therefore, it has been classified as a Variant of Uncertain Significance.

Literature cited by the submitters: PubMed 17576681; PubMed 9536098.